The following is an entry in ClinVar:

NM_001287491.2(TET3):c.4709C>T (p.Ala1570Val)

Gene: TET3 (tet methylcytosine dioxygenase 3; plus strand). Cytogenetic location: 2p13.1.
Variant type: single nucleotide variant.
Coding change: c.4709C>T on transcript NM_001287491.2 (MANE Select); coding-DNA position 4709, C replaced by T.
Protein change: p.Ala1570Val; replaces alanine 1570 with valine.
Molecular consequence: missense variant.
Genome position (GRCh38, 1-based): chr2:74,101,497, C>T. VCF-style: chr2-74101497-C-T. GRCh37 (hg19) VCF-style: chr2-74328624-C-T.
Other names: c.4430C>T, p.Ala1477Val (NM_001366022.1); short protein forms A1477V, A1570V.
Identifiers: ClinVar variation 4882052 (VCV004882052.2).

ClinVar aggregate classification (germline): Uncertain significance (1 of 4 stars; one submission).

gnomAD v4.1: 1 of 1,613,116 alleles (0.000062%); highest among the groups gnomAD compares: Non-Finnish European, 0.000085%; no homozygotes.

Submission:

Dasa
Classification: Uncertain significance. Last evaluated: 2025-02-18. Review status: criteria provided, single submitter. Criteria: DASA Assertion Criteria. Collection method: clinical testing. Allele origin: germline.
Comment: NM_001287491.2(TET3):c.4709C>T (p.Ala1570Val) is a missense variant that results in the substitution of alanine with valine. This variant is rare in population databases. Computational prediction algorithms are consistent with a benign effect. The currently available literature and clinical evidence are not sufficient to establish a definitive association between this variant and the reported condition. Therefore, this variant is classified as a variant of uncertain significance.